The following is an entry in ClinVar:

ClinVar aggregate classification (germline): Uncertain significance (1 of 4 stars; one submission).

Conditions:
Hereditary cancer-predisposing syndrome. Also called: Neoplastic Syndromes, Hereditary; Tumor predisposition; Hereditary Cancer Syndrome; Hereditary neoplastic syndrome. Identifiers: Orphanet 140162, MedGen C0027672, MeSH D009386, MONDO:0015356.

gnomAD v4.1: 10 of 1,609,420 alleles (0.00062%); no homozygotes.

Submission:

Ambry Genetics
Classification: Uncertain significance for Hereditary cancer-predisposing syndrome. Last evaluated: 2025-12-21. Review status: criteria provided, single submitter. Criteria: Ambry Variant Classification Scheme 2023. Collection method: clinical testing. Allele origin: germline.
Comment: The p.Y216F variant (also known as c.647A>T), located in coding exon 4 of the RAD51C gene, results from an A to T substitution at nucleotide position 647. The tyrosine at codon 216 is replaced by phenylalanine, an amino acid with highly similar properties. This amino acid position is conserved. In addition, this alteration is predicted to be tolerated by in silico analysis. Based on the available evidence, the clinical significance of this variant remains unclear.

NM_058216.3(RAD51C):c.647A>T (p.Tyr216Phe)

Genes: RAD51C (RAD51 paralog C; plus strand), LOC129390903 (MPRA-validated peak2919 silencer; plus strand). Cytogenetic location: 17q22.
Variant type: single nucleotide variant.
Coding change: c.647A>T on transcript NM_058216.3 (MANE Select); coding-DNA position 647, A replaced by T.
Protein change: p.Tyr216Phe; replaces tyrosine 216 with phenylalanine.
Molecular consequence: missense variant. On other transcripts: non-coding transcript variant (1).
Genome position (GRCh38, 1-based): chr17:58,703,271, A>T. VCF-style: chr17-58703271-A-T. GRCh37 (hg19) VCF-style: chr17-56780632-A-T.
Other names: short protein forms Y216F.
Identifiers: ClinVar variation 4841437 (VCV004841437.1).
Genomic context (GRCh38, chr17:58,703,271, plus strand): 5'-TGGAGGATTTCACTCTTGATAATATTCTTTCTCATATTTATTATTTTCGCTGTCGTGACT[A>T]CACAGAGTTACTGGCACAAGTTTATCTTCTTCCAGATTTCCTTTCAGAACACTCAAAGGT-3'
Protein context (NP_478123.1, residues 206-226): SHIYYFRCRD[Tyr216Phe]TELLAQVYLL